The following is an entry in ClinVar:

NM_000257.4(MYH7):c.1344G>A (p.Glu448=)

Gene: MYH7 (myosin heavy chain 7; minus strand). Cytogenetic location: 14q11.2.
Variant type: single nucleotide variant.
Coding change: c.1344G>A on transcript NM_000257.4 (MANE Select); coding-DNA position 1344, G replaced by A.
Protein change: p.Glu448=; no amino-acid change (glutamic acid 448 retained).
Molecular consequence: synonymous variant.
Genome position (GRCh38, 1-based): chr14:23,429,018, C>T on the plus strand (G>A on the coding strand, the complement: MYH7 is on the minus strand). VCF-style: chr14-23429018-C-T. GRCh37 (hg19) VCF-style: chr14-23898227-C-T.
Other names: c.1344G>A, p.Glu448= (NM_001407004.1).
Identifiers: ClinVar variation 3073634 (VCV003073634.1), dbSNP rs2502302106, ClinGen allele CA485625013.

ClinVar aggregate classification (germline): Likely benign (1 of 4 stars; one submission).

Conditions:
Cardiomyopathy (CMYO). Also called: Cardiomyopathies. Identifiers: Orphanet 167848, MedGen C0878544, MONDO:0004994, HP:0001638. Inheritance: Various modes of inheritance.

Submission:

All of Us Research Program, National Institutes of Health
Classification: Likely benign for Cardiomyopathy. Last evaluated: 2023-10-02. Review status: criteria provided, single submitter. Criteria: ACMG Guidelines, 2015. Collection method: clinical testing. Allele origin: germline. Inheritance: Autosomal dominant inheritance. Observed: 1 variant allele, 1 heterozygote.
Comment: This study involves interpretation of variants in research participants for the purpose of population health screening. Participant phenotype was not available at the time of variant classification. Additional details can be found in publication PMID: 35346344, PMCID: PMC8962531